The following is an entry in ClinVar:

NM_005676.5(RBM10):c.1517G>T (p.Gly506Val)

Gene: RBM10 (RNA binding motif protein 10; plus strand). Cytogenetic location: Xp11.3.
Variant type: single nucleotide variant.
Coding change: c.1517G>T on transcript NM_005676.5 (MANE Select); coding-DNA position 1517, G replaced by T.
Protein change: p.Gly506Val; replaces glycine 506 with valine.
Molecular consequence: missense variant.
Genome position (GRCh38, 1-based): chrX:47,181,588, G>T. VCF-style: chrX-47181588-G-T. GRCh37 (hg19) VCF-style: chrX-47040987-G-T.
Other names: c.1286G>T, p.Gly429Val (NM_001204466.2); c.1514G>T, p.Gly505Val (NM_001204467.2); c.1712G>T, p.Gly571Val (NM_001204468.2); c.1283G>T, p.Gly428Val (NM_152856.3); short protein forms G505V, G571V, G428V, G429V, G506V.
Identifiers: ClinVar variation 2776972 (VCV002776972.3), dbSNP rs1250473815, ClinGen allele CA412802311.

ClinVar aggregate classification (germline): Uncertain significance (1 of 4 stars; one submission).

Allele frequency attached by ClinVar (database versions not stated): gnomAD 0.00003; TOPMed 0.00004.

Submission:

Labcorp Genetics (formerly Invitae), Labcorp
Classification: Uncertain significance. Last evaluated: 2024-01-04. Review status: criteria provided, single submitter. Criteria: Invitae Variant Classification Sherloc (09022015). Collection method: clinical testing. Allele origin: germline.
Comment: This sequence change replaces glycine, which is neutral and non-polar, with valine, which is neutral and non-polar, at codon 506 of the RBM10 protein (p.Gly506Val). This variant is present in population databases (no rsID available, gnomAD 0.02%), including at least one homozygous and/or hemizygous individual. This variant has not been reported in the literature in individuals affected with RBM10-related conditions. An algorithm developed to predict the effect of missense changes on protein structure and function (PolyPhen-2) suggests that this variant is likely to be tolerated. In summary, the available evidence is currently insufficient to determine the role of this variant in disease. Therefore, it has been classified as a Variant of Uncertain Significance.